The following is an entry in ClinVar:

NM_178335.3(CCDC50):c.752G>A (p.Cys251Tyr)

Gene: CCDC50 (coiled-coil domain containing 50; plus strand). Cytogenetic location: 3q28.
Variant type: single nucleotide variant.
Coding change: c.752G>A on transcript NM_178335.3 (MANE Select); coding-DNA position 752, G replaced by A.
Protein change: p.Cys251Tyr; replaces cysteine 251 with tyrosine.
Molecular consequence: missense variant. On other transcripts: intron variant (1).
Genome position (GRCh38, 1-based): chr3:191,375,365, G>A. VCF-style: chr3-191375365-G-A. GRCh37 (hg19) VCF-style: chr3-191093154-G-A.
Other names: c.449-4794G>A (NM_174908.4); short protein forms C251Y.
Identifiers: ClinVar variation 4726266 (VCV004726266.1).

ClinVar aggregate classification (germline): Uncertain significance (1 of 4 stars; one submission).

gnomAD v4.1: 1 of 1,613,772 alleles (0.000062%); highest among the groups gnomAD compares: Admixed American, 0.0017%; no homozygotes.

Submission:

Labcorp Genetics (formerly Invitae), Labcorp
Classification: Uncertain significance. Last evaluated: 2025-08-29. Review status: criteria provided, single submitter. Criteria: Invitae Variant Classification Sherloc (09022015). Collection method: clinical testing. Allele origin: germline.
Comment: This sequence change replaces cysteine, which is neutral and slightly polar, with tyrosine, which is neutral and polar, at codon 251 of the CCDC50 protein (p.Cys251Tyr). This variant is present in population databases (rs763868945, gnomAD 0.003%). This variant has not been reported in the literature in individuals affected with CCDC50-related conditions. An algorithm developed to predict the effect of missense changes on protein structure and function outputs the following: PolyPhen-2: "Benign". The tyrosine amino acid residue is found in multiple mammalian species, which suggests that this missense change does not adversely affect protein function. In summary, the available evidence is currently insufficient to determine the role of this variant in disease. Therefore, it has been classified as a Variant of Uncertain Significance.